The following is an entry in ClinVar:

NM_032447.5(FBN3):c.3141G>A (p.Thr1047=)

Gene: FBN3 (fibrillin 3; minus strand). Cytogenetic location: 19p13.2.
Variant type: single nucleotide variant.
Coding change: c.3141G>A on transcript NM_032447.5 (MANE Select); coding-DNA position 3141, G replaced by A.
Protein change: p.Thr1047=; no amino-acid change (threonine 1047 retained).
Molecular consequence: synonymous variant.
Genome position (GRCh38, 1-based): chr19:8,121,328, C>T on the plus strand (G>A on the coding strand, the complement: FBN3 is on the minus strand). VCF-style: chr19-8121328-C-T. GRCh37 (hg19) VCF-style: chr19-8186212-C-T.
Other names: c.3141G>A, p.Thr1047= (NM_001321431.2).
Identifiers: ClinVar variation 1635886 (VCV001635886.32), dbSNP rs114688628, ClinGen allele CA9152558.

ClinVar aggregate classification (germline): Benign/Likely benign. Review status: criteria provided, multiple submitters, no conflicts (2 of 4 stars). 2 submissions from 2 submitters: Benign (1); Likely benign (1). Last evaluated 2026-02-01.

Allele frequency attached by ClinVar (database versions not stated): ExAC 0.00074; ESP Exome Variant Server 0.00231; gnomAD 0.00246 and 0.00262; 1000 Genomes Project 30x 0.00437; TOPMed 0.00263; 1000 Genomes Project 0.00399.
gnomAD v4.1: 720 of 1,613,288 alleles (0.045%); highest among the groups gnomAD compares: African/African-American, 0.83%; 4 homozygotes.

Submissions (2):

Labcorp Genetics (formerly Invitae), Labcorp
Classification: Benign. Last evaluated: 2026-02-01. Review status: criteria provided, single submitter. Criteria: Invitae Variant Classification Sherloc (09022015). Collection method: clinical testing. Allele origin: germline.

CeGaT Center for Human Genetics Tuebingen
Classification: Likely benign. Last evaluated: 2022-05-01. Review status: criteria provided, single submitter. Criteria: CeGaT Center For Human Genetics Tuebingen Variant Classification Criteria Version 2. Collection method: clinical testing. Allele origin: germline. Affected: yes. Observed: 1 variant allele.
Comment: FBN3: BP4, BP7